The following is an entry in ClinVar:

NM_004220.3(ZNF213):c.813C>G (p.Ser271=)

Gene: ZNF213 (zinc finger protein 213; plus strand). Cytogenetic location: 16p13.3.
Variant type: single nucleotide variant.
Coding change: c.813C>G on transcript NM_004220.3 (MANE Select); coding-DNA position 813, C replaced by G.
Protein change: p.Ser271=; no amino-acid change (serine 271 retained).
Molecular consequence: synonymous variant. On other transcripts: non-coding transcript variant (1).
Genome position (GRCh38, 1-based): chr16:3,140,780, C>G. VCF-style: chr16-3140780-C-G. GRCh37 (hg19) VCF-style: chr16-3190781-C-G.
Other names: c.813C>G, p.Ser271= (NM_001134655.2).
Identifiers: ClinVar variation 2646102 (VCV002646102.24), dbSNP rs748123715, ClinGen allele CA7858742.

ClinVar aggregate classification (germline): Likely benign (1 of 4 stars; one submission).

Allele frequency attached by ClinVar (database versions not stated): gnomAD 0.00001; gnomAD exomes 0.00001; ExAC 0.00002.
gnomAD v4.1: 21 of 1,592,190 alleles (0.0013%); highest among the groups gnomAD compares: Middle Eastern, 0.051%; no homozygotes.

Submission:

CeGaT Center for Human Genetics Tuebingen
Classification: Likely benign. Last evaluated: 2023-04-01. Review status: criteria provided, single submitter. Criteria: CeGaT Center For Human Genetics Tuebingen Variant Classification Criteria Version 2. Collection method: clinical testing. Allele origin: germline. Affected: yes. Observed: 1 variant allele.
Comment: ZNF213: BP4, BP7